The following is an entry in ClinVar:

NM_000138.5(FBN1):c.1468+4C>T

Gene: FBN1 (fibrillin 1; minus strand). Cytogenetic location: 15q21.1.
Variant type: single nucleotide variant.
Coding change: c.1468+4C>T on transcript NM_000138.5 (MANE Select); 4 bases into the intron after coding-DNA position 1468, C replaced by T.
Molecular consequence: intron variant.
Genome position (GRCh38, 1-based): chr15:48,515,383, G>A on the plus strand (C>T on the coding strand, the complement: FBN1 is on the minus strand). VCF-style: chr15-48515383-G-A. GRCh37 (hg19) VCF-style: chr15-48807580-G-A.
Identifiers: ClinVar variation 515684 (VCV000515684.10), dbSNP rs765579667, ClinGen allele CA044757.

ClinVar aggregate classification (germline): Conflicting classifications of pathogenicity. Review status: criteria provided, conflicting classifications (1 of 4 stars). 5 submissions from 5 submitters: Uncertain significance (2); Likely benign (3). Last evaluated 2025-11-25.

Conditions:
Familial thoracic aortic aneurysm and aortic dissection (TAAD). Also called: Thoracic aortic aneurysms and dissections. Identifiers: Orphanet 91387, MedGen C4707243, MONDO:0019625.
Marfan syndrome (MFS). Also called: Marfan syndrome type 1; Marfan syndrome, classic; Marfan's syndrome; FBN1-Related Marfan Syndrome; MARFAN SYNDROME, TYPE I. Identifiers: Orphanet 284963, Orphanet 558, MedGen C0024796, MONDO:0007947, OMIM 154700.

Allele frequency attached by ClinVar (database versions not stated): ExAC 0.00002; TOPMed 0.00002; gnomAD exomes 0.00002.
gnomAD v4.1: 28 of 1,613,706 alleles (0.0017%); highest among the groups gnomAD compares: East Asian, 0.0045%; no homozygotes.

Submissions (5):

Labcorp Genetics (formerly Invitae), Labcorp
Classification: Uncertain significance for Marfan syndrome; Familial thoracic aortic aneurysm and aortic dissection. Last evaluated: 2025-11-25. Review status: criteria provided, single submitter. Criteria: Invitae Variant Classification Sherloc (09022015). Collection method: clinical testing. Allele origin: germline.
Comment: This sequence change falls in intron 12 of the FBN1 gene. It does not directly change the encoded amino acid sequence of the FBN1 protein. It affects a nucleotide within the consensus splice site. This variant is present in population databases (rs765579667, gnomAD 0.006%). This variant has been observed in individual(s) with Marfan syndrome (PMID: 31098894). ClinVar contains an entry for this variant (Variation ID: 515684). Variants that disrupt the consensus splice site are a relatively common cause of aberrant splicing (PMID: 17576681, 9536098). Algorithms developed to predict the effect of sequence changes on RNA splicing suggest that this variant is not likely to affect RNA splicing. In summary, the available evidence is currently insufficient to determine the role of this variant in disease. Therefore, it has been classified as a Variant of Uncertain Significance.

All of Us Research Program, National Institutes of Health
Classification: Likely benign for Marfan syndrome. Last evaluated: 2024-02-05. Review status: criteria provided, single submitter. Criteria: ACMG Guidelines, 2015. Collection method: clinical testing. Allele origin: germline. Inheritance: Autosomal dominant inheritance. Observed: 2 variant alleles, 2 heterozygotes.
Comment: This study involves interpretation of variants in research participants for the purpose of population health screening. Participant phenotype was not available at the time of variant classification. Additional details can be found in publication PMID: 35346344, PMCID: PMC8962531

Ambry Genetics
Classification: Uncertain significance for Familial thoracic aortic aneurysm and aortic dissection. Last evaluated: 2023-11-27. Review status: criteria provided, single submitter. Criteria: Ambry Variant Classification Scheme 2023. Collection method: clinical testing. Allele origin: germline.
Comment: The c.1468+4C>T intronic variant results from a C to T substitution 4 nucleotides after coding exon 11 in the FBN1 gene. This alteration has been reported in a Marfan syndrome and related diseases cohort (Li J et al. Sci China Life Sci, 2019 Dec;62:1630-1637). This nucleotide position is poorly conserved in available vertebrate species. In silico splice site analysis predicts that this alteration will not have any significant effect on splicing. Since supporting evidence is limited at this time, the clinical significance of this alteration remains unclear.

Color Diagnostics, LLC DBA Color Health
Classification: Likely benign for Familial thoracic aortic aneurysm and aortic dissection. Last evaluated: 2019-09-30. Review status: criteria provided, single submitter. Criteria: ACMG Guidelines, 2015. Collection method: clinical testing. Allele origin: germline.

GeneDx
Classification: Likely benign. Last evaluated: 2018-02-21. Review status: criteria provided, single submitter. Criteria: GeneDx Variant Classification (06012015). Collection method: clinical testing. Allele origin: germline. Affected: yes.
Comment: This variant is considered likely benign or benign based on one or more of the following criteria: it is a conservative change, it occurs at a poorly conserved position in the protein, it is predicted to be benign by multiple in silico algorithms, and/or has population frequency not consistent with disease.

Literature cited by the submitters: PubMed 31098894 (cited by Labcorp Genetics (formerly Invitae), Labcorp and Ambry Genetics); PubMed 17576681 (cited by Labcorp Genetics (formerly Invitae), Labcorp); PubMed 9536098 (cited by Labcorp Genetics (formerly Invitae), Labcorp).